The following is an entry in ClinVar:

NM_001267550.2(TTN):c.44071_44074del (p.Thr14691fs)

Gene: TTN (titin; minus strand). Cytogenetic location: 2q31.2.
Variant type: Deletion.
Coding change: c.44071_44074del on transcript NM_001267550.2 (MANE Select); coding-DNA positions 44071 to 44074, 4 bases deleted (ACAG; older notation c.44071_44074delACAG).
Protein change: p.Thr14691fs; shifts the reading frame from threonine 14691.
Molecular consequence: frameshift variant.
Genome position (GRCh38, 1-based): chr2:178,630,884-178,630,887, CTGT deleted on the plus strand (ACAG on the coding strand, the reverse complement: TTN is on the minus strand); deleting any 4 consecutive bases within chr2:178,630,884-178,630,889 gives the same sequence; the c. name uses the placement nearest the transcript's 3' end. VCF-style (leftmost placement, unchanged base first): chr2-178630883-GCTGT-G. GRCh37 (hg19) VCF-style: chr2-179495610-GCTGT-G.
Other names: c.39148_39151del, p.Thr13050fs (NM_001256850.1); c.16876_16879del, p.Thr5626fs (NM_003319.4); c.36367_36370del, p.Thr12123fs (NM_133378.4); c.17251_17254del, p.Thr5751fs (NM_133432.3); c.17452_17455del, p.Thr5818fs (NM_133437.4); short protein forms T14691fs, T5751fs, T12123fs, T13050fs, T5626fs, T5818fs.
Identifiers: ClinVar variation 4789194 (VCV004789194.1).

ClinVar aggregate classification (germline): Likely pathogenic (1 of 4 stars; one submission).

Conditions:
Autosomal recessive limb-girdle muscular dystrophy type 2J (LGMDR10). Also called: Limb-girdle muscular dystrophy, type 2J; MUSCULAR DYSTROPHY, LIMB-GIRDLE, AUTOSOMAL RECESSIVE 10. Identifiers: Orphanet 140922, MedGen C1837342, MONDO:0012127, OMIM 608807.
Dilated cardiomyopathy 1G (CMD1G). Identifiers: Orphanet 154, MedGen C1858763, MONDO:0011400, OMIM 604145.

Submission:

Labcorp Genetics (formerly Invitae), Labcorp
Classification: Likely pathogenic for Dilated cardiomyopathy 1G; Autosomal recessive limb-girdle muscular dystrophy type 2J. Last evaluated: 2025-05-22. Review status: criteria provided, single submitter. Criteria: Invitae Variant Classification Sherloc (09022015). Collection method: clinical testing. Allele origin: germline.
Comment: This sequence change creates a premature translational stop signal (p.Thr14691Hisfs*72) in the TTN gene. While this is not anticipated to result in nonsense mediated decay, it is expected to create a truncated TTN protein. This variant is not present in population databases (gnomAD no frequency). This variant has not been reported in the literature in individuals affected with TTN-related conditions. This variant is located in the I band of TTN (PMID: 25589632). Truncating variants in this region have been reported in individuals affected with autosomal recessive centronuclear myopathy (PMID: 23975875, internal data). Truncating variants in this region have also been identified in individuals affected with autosomal dominant dilated cardiomyopathy and/or cardio-related conditions (PMID: 27869827, 32964742, internal data). In summary, the currently available evidence indicates that the variant is pathogenic, but additional data are needed to prove that conclusively. Therefore, this variant has been classified as Likely Pathogenic.

Literature cited by the submitters: PubMed 25589632; PubMed 23975875; PubMed 27869827; PubMed 32964742.